The following is an entry in ClinVar:

NM_030665.4(RAI1):c.-4A>T

Gene: RAI1 (retinoic acid induced 1; plus strand). Cytogenetic location: 17p11.2.
Variant type: single nucleotide variant.
Coding change: c.-4A>T on transcript NM_030665.4 (MANE Select); 4 bases upstream of the start codon, A replaced by T.
Molecular consequence: 5 prime UTR variant.
Genome position (GRCh38, 1-based): chr17:17,792,945, A>T. VCF-style: chr17-17792945-A-T. GRCh37 (hg19) VCF-style: chr17-17696259-A-T.
Identifiers: ClinVar variation 1803408 (VCV001803408.1), dbSNP rs2508566256, ClinGen allele CA2580092617.
Genomic context (GRCh38, chr17:17,792,945, plus strand): 5'-TCCCCTCCCTCCTTCCCTCCCTCCCTCCCTTCCTTTTTCTTTTCACAGATAACCAGCCCG[A>T]GTCATGCAGTCTTTTCGAGAAAGGTGTGGTTTCCATGGCAAACAACAGAACTACCAGCAG-3'

ClinVar aggregate classification (germline): Uncertain significance (1 of 4 stars; one submission).

Submission:

GeneDx
Classification: Uncertain significance. Last evaluated: 2022-06-02. Review status: criteria provided, single submitter. Criteria: GeneDx Variant Classification Process June 2021. Collection method: clinical testing. Allele origin: germline. Affected: yes.
Comment: Not observed at significant frequency in large population cohorts (gnomAD); Has not been previously published as pathogenic or benign to our knowledge; Located in the 5' untranslated region (UTR); in the absence of functional studies, the actual effect of this sequence change is unknown